The following is an entry in ClinVar:

NM_024490.4(ATP10A):c.1111-9C>G

Gene: ATP10A (ATPase phospholipid transporting 10A (putative); minus strand). Cytogenetic location: 15q12.
Variant type: single nucleotide variant.
Coding change: c.1111-9C>G on transcript NM_024490.4 (MANE Select); 9 bases into the intron before coding-DNA position 1111, C replaced by G.
Molecular consequence: intron variant.
Genome position (GRCh38, 1-based): chr15:25,721,918, G>C on the plus strand (C>G on the coding strand, the complement: ATP10A is on the minus strand). VCF-style: chr15-25721918-G-C. GRCh37 (hg19) VCF-style: chr15-25967065-G-C.
Identifiers: ClinVar variation 785475 (VCV000785475.6), dbSNP rs28514677, ClinGen allele CA7436899.

ClinVar aggregate classification (germline): Benign. Review status: criteria provided, single submitter (1 of 4 stars). 2 submissions from 2 submitters: Benign (1). 1 of the submissions does not count toward it. Last evaluated 2019-12-31.

Conditions:
ATP10A-related disorder. Also called: ATP10A-related condition.

Allele frequency attached by ClinVar (database versions not stated): gnomAD exomes 0.00060 and 0.00165; ExAC 0.00207; 1000 Genomes Project 0.00599; 1000 Genomes Project 30x 0.00609; gnomAD 0.00631 and 0.00683; TOPMed 0.00743; ESP Exome Variant Server 0.00792.
gnomAD v4.1: 1,875 of 1,608,392 alleles (0.12%); highest among the groups gnomAD compares: African/African-American, 2.3%; 27 homozygotes.

Submissions (2):

Labcorp Genetics (formerly Invitae), Labcorp
Classification: Benign. Last evaluated: 2019-12-31. Review status: criteria provided, single submitter. Criteria: Invitae Variant Classification Sherloc (09022015). Collection method: clinical testing. Allele origin: germline.

PreventionGenetics, part of Exact Sciences
Classification: Benign for ATP10A-related condition. Last evaluated: 2019-06-07. Review status: no assertion criteria provided. Collection method: clinical testing. Allele origin: germline. Not counted in ClinVar's aggregate classification.
Comment: This variant is classified as benign based on ACMG/AMP sequence variant interpretation guidelines (Richards et al. 2015 PMID: 25741868, with internal and published modifications).